The following is an entry in ClinVar:

ClinVar aggregate classification (germline): Uncertain significance (1 of 4 stars; one submission).

Conditions:
Alkaptonuria (AKU). Also called: Homogentisic acidura; HOMOGENTISIC ACID OXIDASE DEFICIENCY; Alkaptonuric ochronosis; Alcaptonuria. Identifiers: Orphanet 56, MedGen C0002066, MONDO:0008753, OMIM 203500.

gnomAD v4.1: 5 of 1,546,358 alleles (0.00032%); highest among the groups gnomAD compares: East Asian, 0.011%; no homozygotes.

Submission:

3billion
Classification: Uncertain significance for Alkaptonuria. Last evaluated: 2025-11-20. Review status: criteria provided, single submitter. Criteria: ACMG Guidelines, 2015. Collection method: clinical testing. Allele origin: germline. Affected: yes.
Comment: The variant is observed at an extremely low frequency in the gnomAD v4.1.0 dataset (total allele frequency: <0.001%). Predicted Consequence/Location: Missense variant In silico tool prediction suggests damaging effect of the variant on gene or gene product [REVEL: 0.95 (>=0.6, sensitivity 0.68 and specificity 0.92)]. A different missense change at the same codon (p.Trp60Gly) has been reported to be associated with HGD-related disorder (ClinVar ID: VCV002626821 /PMID: 10205262). Therefore, this variant is classified as VUS according to the recommendation of ACMG/AMP guideline.

Literature cited by the submitters: PubMed 10205262.

NM_000187.4(HGD):c.178T>C (p.Trp60Arg)

Gene: HGD (homogentisate 1,2-dioxygenase; minus strand). Cytogenetic location: 3q13.33.
Variant type: single nucleotide variant.
Coding change: c.178T>C on transcript NM_000187.4 (MANE Select); coding-DNA position 178, T replaced by C.
Protein change: p.Trp60Arg; replaces tryptophan 60 with arginine.
Molecular consequence: missense variant.
Genome position (GRCh38, 1-based): chr3:120,670,531, A>G on the plus strand (T>C on the coding strand, the complement: HGD is on the minus strand). VCF-style: chr3-120670531-A-G. GRCh37 (hg19) VCF-style: chr3-120389378-A-G.
Other names: short protein forms W60R.
Identifiers: ClinVar variation 4855971 (VCV004855971.1).